The following is an entry in ClinVar:

ClinVar aggregate classification (germline): Uncertain significance (1 of 4 stars; one submission).

Conditions:
Congenital neutropenia-myelofibrosis-nephromegaly syndrome. Also called: Severe congenital neutropenia 5, autosomal recessive. Identifiers: Orphanet 369852, MedGen C3809031, MONDO:0014118, OMIM 615285.

Submission:

Labcorp Genetics (formerly Invitae), Labcorp
Classification: Uncertain significance for Congenital neutropenia-myelofibrosis-nephromegaly syndrome. Last evaluated: 2024-09-16. Review status: criteria provided, single submitter. Criteria: Invitae Variant Classification Sherloc (09022015). Collection method: clinical testing. Allele origin: germline.
Comment: This sequence change replaces alanine, which is neutral and non-polar, with valine, which is neutral and non-polar, at codon 164 of the VPS45 protein (p.Ala164Val). This variant is not present in population databases (gnomAD no frequency). This variant has not been reported in the literature in individuals affected with VPS45-related conditions. Invitae Evidence Modeling of protein sequence and biophysical properties (such as structural, functional, and spatial information, amino acid conservation, physicochemical variation, residue mobility, and thermodynamic stability) indicates that this missense variant is expected to disrupt VPS45 protein function with a positive predictive value of 80%. In summary, the available evidence is currently insufficient to determine the role of this variant in disease. Therefore, it has been classified as a Variant of Uncertain Significance.

NM_007259.5(VPS45):c.491C>T (p.Ala164Val)

Gene: VPS45 (vacuolar protein sorting 45 homolog; plus strand). Cytogenetic location: 1q21.2.
Variant type: single nucleotide variant.
Coding change: c.491C>T on transcript NM_007259.5 (MANE Select); coding-DNA position 491, C replaced by T.
Protein change: p.Ala164Val; replaces alanine 164 with valine.
Molecular consequence: missense variant. On other transcripts: intron variant (1).
Genome position (GRCh38, 1-based): chr1:150,077,146, C>T. VCF-style: chr1-150077146-C-T. GRCh37 (hg19) VCF-style: chr1-150049224-C-T.
Other names: c.383C>T, p.Ala128Val (NM_001279354.2); c.262-523C>T (NM_001279353.2); short protein forms A164V, A128V.
Identifiers: ClinVar variation 3691578 (VCV003691578.2).
Genomic context (GRCh38, chr1:150,077,146, plus strand): 5'-ACAAAAAGGGTCGAAATTGGGATCCAGCCCAGCTATCTAGAACAACTCAAGGGCTTACAG[C>T]TCTCCTTTTATCTCTGAAGAAGTGTCCCATGATTCGTTATCAGCTCTCATCAGAGGCAGC-3'
Protein context (NP_009190.2, residues 154-174): QLSRTTQGLT[Ala164Val]LLLSLKKCPM